The following is an entry in ClinVar:

ClinVar aggregate classification (germline): Benign/Likely benign. Review status: criteria provided, multiple submitters, no conflicts (2 of 4 stars). 2 submissions from 2 submitters: Benign (1); Likely benign (1). Last evaluated 2026-03-27.

Conditions:
RAI1-related disorder. Also called: RAI1-related condition.

Allele frequency attached by ClinVar (database versions not stated): gnomAD 0.00016 and 0.00015; 1000 Genomes Project 0.00020; gnomAD exomes 0.00003 and 0.00006; ExAC 0.00005; TOPMed 0.00014; ESP Exome Variant Server 0.00015; 1000 Genomes Project 30x 0.00016.
gnomAD v4.1: 64 of 1,609,360 alleles (0.004%); highest among the groups gnomAD compares: African/African-American, 0.037%; no homozygotes.

Submissions (2):

PreventionGenetics, part of Exact Sciences
Classification: Likely benign for RAI1-related condition. Last evaluated: 2026-03-27. Review status: criteria provided, single submitter. Criteria: ACMG Guidelines, 2015. Collection method: clinical testing. Allele origin: germline.
Comment: This variant is classified as likely benign based on ACMG/AMP sequence variant interpretation guidelines (Richards et al. 2015 PMID: 25741868, with internal and published modifications).

Labcorp Genetics (formerly Invitae), Labcorp
Classification: Benign. Last evaluated: 2025-12-19. Review status: criteria provided, single submitter. Criteria: Invitae Variant Classification Sherloc (09022015). Collection method: clinical testing. Allele origin: germline.

NM_030665.4(RAI1):c.2981G>A (p.Arg994Gln)

Gene: RAI1 (retinoic acid induced 1; plus strand). Cytogenetic location: 17p11.2.
Variant type: single nucleotide variant.
Coding change: c.2981G>A on transcript NM_030665.4 (MANE Select); coding-DNA position 2981, G replaced by A.
Protein change: p.Arg994Gln; replaces arginine 994 with glutamine.
Molecular consequence: missense variant.
Genome position (GRCh38, 1-based): chr17:17,795,929, G>A. VCF-style: chr17-17795929-G-A. GRCh37 (hg19) VCF-style: chr17-17699243-G-A.
Other names: c.2981G>A (NM_030665.3); short protein forms R994Q.
Identifiers: ClinVar variation 1398962 (VCV001398962.9), dbSNP rs201996411, ClinGen allele CA8418650.